The following is an entry in ClinVar:

ClinVar aggregate classification (germline): Uncertain significance (1 of 4 stars; one submission).

Conditions:
NRP1-related disorder. Also called: NRP1-related condition.

gnomAD v4.1: 21 of 1,612,116 alleles (0.0013%); highest among the groups gnomAD compares: African/African-American, 0.0027%; no homozygotes.

Submission:

PreventionGenetics, part of Exact Sciences
Classification: Uncertain significance for NRP1-related condition. Last evaluated: 2025-03-24. Review status: criteria provided, single submitter. Criteria: ACMG Guidelines, 2015. Collection method: clinical testing. Allele origin: germline.
Comment: The NRP1 c.2300G>A variant is predicted to result in the amino acid substitution p.Arg767His. To our knowledge, this variant has not been reported in the literature. This variant is reported in 0.0054% of alleles in individuals of East Asian descent in gnomAD. At this time, the clinical significance of this variant is uncertain due to the absence of conclusive functional and genetic evidence.

NM_003873.7(NRP1):c.2300G>A (p.Arg767His)

Gene: NRP1 (neuropilin 1; minus strand). Cytogenetic location: 10p11.22.
Variant type: single nucleotide variant.
Coding change: c.2300G>A on transcript NM_003873.7 (MANE Select); coding-DNA position 2300, G replaced by A.
Protein change: p.Arg767His; replaces arginine 767 with histidine.
Molecular consequence: missense variant. On other transcripts: non-coding transcript variant (1).
Genome position (GRCh38, 1-based): chr10:33,186,251, C>T on the plus strand (G>A on the coding strand, the complement: NRP1 is on the minus strand). VCF-style: chr10-33186251-C-T. GRCh37 (hg19) VCF-style: chr10-33475179-C-T.
Other names: c.2282G>A, p.Arg761His (NM_001244972.2); c.2279G>A, p.Arg760His (NM_001244973.2); c.2300G>A, p.Arg767His (NM_001330068.2); short protein forms R760H, R761H, R767H.
Identifiers: ClinVar variation 3351781 (VCV003351781.2).